The following is an entry in ClinVar:

ClinVar aggregate classification (germline): Uncertain significance (1 of 4 stars; one submission).

Conditions:
Bardet-Biedl syndrome (BBS). Identifiers: Orphanet 110, MedGen C0752166, MONDO:0015229.

Submission:

Labcorp Genetics (formerly Invitae), Labcorp
Classification: Uncertain significance for Bardet-Biedl syndrome. Last evaluated: 2022-10-24. Review status: criteria provided, single submitter. Criteria: Invitae Variant Classification Sherloc (09022015). Collection method: clinical testing. Allele origin: germline.
Comment: This sequence change replaces histidine, which is basic and polar, with leucine, which is neutral and non-polar, at codon 551 of the BBS12 protein (p.His551Leu). This variant is not present in population databases (gnomAD no frequency). This variant has not been reported in the literature in individuals affected with BBS12-related conditions. ClinVar contains an entry for this variant (Variation ID: 1385436). Advanced modeling of protein sequence and biophysical properties (such as structural, functional, and spatial information, amino acid conservation, physicochemical variation, residue mobility, and thermodynamic stability) performed at Invitae indicates that this missense variant is not expected to disrupt BBS12 protein function. In summary, the available evidence is currently insufficient to determine the role of this variant in disease. Therefore, it has been classified as a Variant of Uncertain Significance.

NM_152618.3(BBS12):c.1652A>T (p.His551Leu)

Gene: BBS12 (Bardet-Biedl syndrome 12; plus strand). Cytogenetic location: 4q27.
Variant type: single nucleotide variant.
Coding change: c.1652A>T on transcript NM_152618.3 (MANE Select); coding-DNA position 1652, A replaced by T.
Protein change: p.His551Leu; replaces histidine 551 with leucine.
Molecular consequence: missense variant.
Genome position (GRCh38, 1-based): chr4:122,743,544, A>T. VCF-style: chr4-122743544-A-T. GRCh37 (hg19) VCF-style: chr4-123664699-A-T.
Other names: c.1652A>T, p.His551Leu (NM_001178007.2); short protein forms H551L.
Identifiers: ClinVar variation 1385436 (VCV001385436.3), dbSNP rs1174030927, ClinGen allele CA358225587.
Genomic context (GRCh38, chr4:122,743,544, plus strand): 5'-AAGAGGAAAAGGTCTTCCTTGGAGGTGGTGCAGTTGAATTTTTGTGTCTTAGCTGTCTTC[A>T]TATTCTTGCAGAGCAATCTCTGAAAAAAGAAAACCATGCCTGCTCAGGGTGGCTGCATAA-3'
Protein context (NP_689831.2, residues 541-561): AVEFLCLSCL[His551Leu]ILAEQSLKKE